The following is an entry in ClinVar:

NM_000540.3(RYR1):c.14834G>A (p.Arg4945Gln)

Gene: RYR1 (ryanodine receptor 1; plus strand). Cytogenetic location: 19q13.2.
Variant type: single nucleotide variant.
Coding change: c.14834G>A on transcript NM_000540.3 (MANE Select); coding-DNA position 14834, G replaced by A.
Protein change: p.Arg4945Gln; replaces arginine 4945 with glutamine.
Molecular consequence: missense variant.
Genome position (GRCh38, 1-based): chr19:38,585,968, G>A. VCF-style: chr19-38585968-G-A. GRCh37 (hg19) VCF-style: chr19-39076608-G-A.
Other names: c.14819G>A, p.Arg4940Gln (NM_001042723.2); short protein forms R4945Q, R4940Q.
Identifiers: ClinVar variation 1496172 (VCV001496172.8), dbSNP rs2145917486, ClinGen allele CA405692327.
Genomic context (GRCh38, chr19:38,585,968, plus strand): 5'-CGGGCACTGACTTGTGTCCTGCCACCCCAGGTCTGATCATCGACGCTTTTGGTGAGCTCC[G>A]AGACCAACAAGAGCAAGTGAAGGAGGATATGGAGGTAGGTCATGTCTGGGGGTGACCCAG-3'
Protein context (NP_000531.2, residues 4935-4955): GLIIDAFGEL[Arg4945Gln]DQQEQVKEDM

ClinVar aggregate classification (germline): Uncertain significance (1 of 4 stars; one submission).

Conditions:
RYR1-related disorder. Also called: RYR1-related condition; RYR1-related disorders. Identifiers: MedGen CN239331.

Submission:

Labcorp Genetics (formerly Invitae), Labcorp
Classification: Uncertain significance for RYR1-related disorder. Last evaluated: 2024-07-03. Review status: criteria provided, single submitter. Criteria: Invitae Variant Classification Sherloc (09022015). Collection method: clinical testing. Allele origin: germline.
Comment: This sequence change replaces arginine, which is basic and polar, with glutamine, which is neutral and polar, at codon 4945 of the RYR1 protein (p.Arg4945Gln). This variant is not present in population databases (gnomAD no frequency). This variant has not been reported in the literature in individuals affected with RYR1-related conditions. ClinVar contains an entry for this variant (Variation ID: 1496172). Advanced modeling of protein sequence and biophysical properties (such as structural, functional, and spatial information, amino acid conservation, physicochemical variation, residue mobility, and thermodynamic stability) performed at Invitae indicates that this missense variant is expected to disrupt RYR1 protein function with a positive predictive value of 95%. In summary, the available evidence is currently insufficient to determine the role of this variant in disease. Therefore, it has been classified as a Variant of Uncertain Significance.